The following is an entry in ClinVar:

NM_000059.4(BRCA2):c.7704dup (p.Gly2569fs)

Gene: BRCA2 (BRCA2 DNA repair associated; plus strand). Cytogenetic location: 13q13.1.
Variant type: Duplication.
Coding change: c.7704dup on transcript NM_000059.4 (MANE Select); coding-DNA position 7704, one base duplicated (T; older notation c.7704dupT).
Protein change: p.Gly2569fs; shifts the reading frame from glycine 2569.
Molecular consequence: frameshift variant.
Genome position (GRCh38, 1-based): chr13:32,357,828, T duplicated; the last of 4 consecutive T bases (chr13:32,357,825-32,357,828); duplicating any one gives the same sequence. VCF-style (leftmost placement, unchanged base first): chr13-32357824-A-AT. GRCh37 (hg19) VCF-style: chr13-32931961-A-AT.
Other names: c.7704dupT (NM_000059.3); c.7608dup, p.Gly2537Trpfs (NM_001406719.1); c.7704dup, p.Gly2569Trpfs (NM_001406720.1); c.2772dup, p.Gly925Trpfs (NM_001406721.1); c.1287dup, p.Gly430Trpfs (NM_001406722.1); short protein forms G2569fs.
Identifiers: ClinVar variation 1760227 (VCV001760227.2), dbSNP rs2548542582, ClinGen allele CA2580087344.

ClinVar aggregate classification (germline): Pathogenic (1 of 4 stars; one submission).

Conditions:
Hereditary cancer-predisposing syndrome. Also called: Neoplastic Syndromes, Hereditary; Tumor predisposition; Hereditary Cancer Syndrome; Hereditary neoplastic syndrome. Identifiers: Orphanet 140162, MedGen C0027672, MeSH D009386, MONDO:0015356.

Submission:

Ambry Genetics
Classification: Pathogenic for Hereditary cancer-predisposing syndrome. Last evaluated: 2021-10-26. Review status: criteria provided, single submitter. Criteria: Ambry Variant Classification Scheme 2023. Collection method: clinical testing. Allele origin: germline.
Comment: The c.7704dupT pathogenic mutation, located in coding exon 15 of the BRCA2 gene, results from a duplication of T at nucleotide position 7704, causing a translational frameshift with a predicted alternate stop codon (p.G2569Wfs*2). This variant is considered to be rare based on population cohorts in the Genome Aggregation Database (gnomAD). This alteration is expected to result in loss of function by premature protein truncation or nonsense-mediated mRNA decay. As such, this alteration is interpreted as a disease-causing mutation.